The following is an entry in ClinVar:

NM_001127222.2(CACNA1A):c.6203G>A (p.Arg2068Gln)

Gene: CACNA1A (calcium voltage-gated channel subunit alpha1 A; minus strand). Cytogenetic location: 19p13.13.
Variant type: single nucleotide variant.
Coding change: c.6203G>A on transcript NM_001127222.2 (MANE Select); coding-DNA position 6203, G replaced by A.
Protein change: p.Arg2068Gln; replaces arginine 2068 with glutamine.
Molecular consequence: missense variant.
Genome position (GRCh38, 1-based): chr19:13,212,203, C>T on the plus strand (G>A on the coding strand, the complement: CACNA1A is on the minus strand). VCF-style: chr19-13212203-C-T. GRCh37 (hg19) VCF-style: chr19-13323017-C-T.
Other names: c.6221G>A, p.Arg2074Gln (NM_000068.4, NM_023035.3); c.6206G>A, p.Arg2069Gln (NM_001127221.2); c.6212G>A, p.Arg2071Gln (NM_001174080.2); short protein forms R2069Q, R2074Q, R2068Q, R2071Q.
Identifiers: ClinVar variation 426943 (VCV000426943.19), dbSNP rs769040794, ClinGen allele CA9239431.

ClinVar aggregate classification (germline): Conflicting classifications of pathogenicity. Review status: criteria provided, conflicting classifications (1 of 4 stars). 5 submissions from 5 submitters: Uncertain significance (2); Likely benign (3). Last evaluated 2026-05-08.

Conditions:
Episodic ataxia type 2 (EA2). Also called: ATAXIA, EPISODIC, WITH NYSTAGMUS; ATAXIA, FAMILIAL PAROXYSMAL; CEREBELLAR ATAXIA, PAROXYSMAL, ACETAZOLAMIDE-RESPONSIVE; CEREBELLOPATHY, HEREDITARY PAROXYSMAL; EPISODIC ATAXIA, NYSTAGMUS-ASSOCIATED; ACETAZOLAMIDE-RESPONSIVE HEREDITARY PAROXYSMAL CEREBELLAR ATAXIA. Identifiers: Orphanet 97, MedGen C1720416, MONDO:0007163, OMIM 108500.
Developmental and epileptic encephalopathy, 42 (DEE42A). Also called: Epileptic encephalopathy, early infantile, 42; DEVELOPMENTAL AND EPILEPTIC ENCEPHALOPATHY 42A; EPILEPTIC ENCEPHALOPATHY, EARLY INFANTILE, 42A. Identifiers: MedGen C4310716, MONDO:0014917, OMIM 617106.
Inborn genetic diseases. Identifiers: MedGen C0950123, MeSH D030342.

Allele frequency attached by ClinVar (database versions not stated): gnomAD exomes 0.00001; ExAC 0.00002; gnomAD 0.00006; TOPMed 0.00006.
gnomAD v4.1: 45 of 1,613,714 alleles (0.0028%); highest among the groups gnomAD compares: Middle Eastern, 0.033%; no homozygotes.

Submissions (5):

Ambry Genetics
Classification: Likely benign for Inborn genetic diseases. Last evaluated: 2026-05-08. Review status: criteria provided, single submitter. Criteria: Ambry Variant Classification Scheme 2023. Collection method: clinical testing. Allele origin: germline.

Labcorp Genetics (formerly Invitae), Labcorp
Classification: Likely benign for Developmental and epileptic encephalopathy, 42; Episodic ataxia type 2. Last evaluated: 2025-05-14. Review status: criteria provided, single submitter. Criteria: Invitae Variant Classification Sherloc (09022015). Collection method: clinical testing. Allele origin: germline.

ARUP Laboratories, Molecular Genetics and Genomics, ARUP Laboratories
Classification: Uncertain significance. Last evaluated: 2023-11-03. Review status: criteria provided, single submitter. Criteria: ARUP Molecular Germline Variant Investigation Process 2024. Collection method: clinical testing. Allele origin: germline.

Revvity Omics, Revvity
Classification: Uncertain significance. Last evaluated: 2021-02-10. Review status: criteria provided, single submitter. Criteria: ACMG Guidelines, 2015. Collection method: clinical testing. Allele origin: germline.

GeneDx
Classification: Likely benign. Last evaluated: 2020-06-22. Review status: criteria provided, single submitter. Criteria: GeneDx Variant Classification Process June 2021. Collection method: clinical testing. Allele origin: germline. Affected: yes.
Comment: In silico analysis supports that this missense variant does not alter protein structure/function; Has not been previously published as pathogenic or benign to our knowledge

Literature cited by the submitters: PubMed 1849839 (cited by Ambry Genetics); PubMed 8898206 (cited by Ambry Genetics); PubMed 11564488 (cited by Ambry Genetics); PubMed 12707077 (cited by Ambry Genetics); PubMed 15003170 (cited by Ambry Genetics); PubMed 15483044 (cited by Ambry Genetics); PubMed 17495624 (cited by Ambry Genetics); PubMed 19484318 (cited by Ambry Genetics); PubMed 20097664 (cited by Ambry Genetics); PubMed 22249839 (cited by Ambry Genetics); PubMed 23934111 (cited by Ambry Genetics); PubMed 25735478 (cited by Ambry Genetics); PubMed 25819952 (cited by Ambry Genetics); PubMed 26814174 (cited by Ambry Genetics); PubMed 27476654 (cited by Ambry Genetics).